The following is an entry in ClinVar:

ClinVar aggregate classification (germline): Uncertain significance (1 of 4 stars; one submission).

Conditions:
Familial thoracic aortic aneurysm and aortic dissection (TAAD). Also called: Thoracic aortic aneurysms and dissections. Identifiers: Orphanet 91387, MedGen C4707243, MONDO:0019625.

gnomAD v4.1: 2 of 1,614,210 alleles (0.00012%); highest among the groups gnomAD compares: East Asian, 0.0045%; no homozygotes.

Submission:

Ambry Genetics
Classification: Uncertain significance for Familial thoracic aortic aneurysm and aortic dissection. Last evaluated: 2026-07-02. Review status: criteria provided, single submitter. Criteria: Ambry Variant Classification Scheme 2023. Collection method: clinical testing. Allele origin: germline.
Comment: The p.Q1360R variant (also known as c.4079A>G), located in coding exon 29 of the MYH11 gene, results from an A to G substitution at nucleotide position 4079. The glutamine at codon 1360 is replaced by arginine, an amino acid with highly similar properties. This amino acid position is conserved. In addition, this alteration is predicted to be tolerated by in silico analysis. Based on the available evidence, the clinical significance of this variant remains unclear.

NM_002474.3(MYH11):c.4079A>G (p.Gln1360Arg)

Genes: MYH11 (myosin heavy chain 11; minus strand), NDE1 (nudE neurodevelopment protein 1; plus strand). Cytogenetic location: 16p13.11.
Variant type: single nucleotide variant.
Coding change: c.4079A>G on transcript NM_002474.3 (MANE Select); coding-DNA position 4079, A replaced by G.
Protein change: p.Gln1360Arg; replaces glutamine 1360 with arginine.
Molecular consequence: missense variant. On other transcripts: 3 prime UTR variant (2).
Genome position (GRCh38, 1-based): chr16:15,724,684, T>C on the plus strand (A>G on the coding strand, the complement: MYH11 is on the minus strand). VCF-style: chr16-15724684-T-C. GRCh37 (hg19) VCF-style: chr16-15818541-T-C.
Other names: c.4100A>G, p.Gln1367Arg (NM_001040113.2, NM_001040114.2); c.4079A>G, p.Gln1360Arg (NM_022844.3); c.*433T>C (NM_001143979.2, NM_017668.3); short protein forms Q1360R, Q1367R.
Identifiers: ClinVar variation 5025062 (VCV005025062.1).